The following is an entry in ClinVar:

ClinVar aggregate classification (germline): Uncertain significance (1 of 4 stars; one submission).

Conditions:
2-aminoadipic 2-oxoadipic aciduria (AAKAD). Also called: ALPHA-AMINOADIPIC AND ALPHA-KETOADIPIC ACIDURIA; Aminoadipic aciduria. Identifiers: Orphanet 79154, MedGen C1859817, MONDO:0008774, OMIM 204750.

Allele frequency attached by ClinVar (database versions not stated): gnomAD exomes below 0.00001 and 0.00001; ExAC 0.00001; TOPMed 0.00001; gnomAD 0.00002.
gnomAD v4.1: 10 of 1,612,758 alleles (0.00062%); highest among the groups gnomAD compares: African/African-American, 0.004%; no homozygotes.

Submission:

Labcorp Genetics (formerly Invitae), Labcorp
Classification: Uncertain significance for 2-aminoadipic 2-oxoadipic aciduria. Last evaluated: 2021-11-14. Review status: criteria provided, single submitter. Criteria: Invitae Variant Classification Sherloc (09022015). Collection method: clinical testing. Allele origin: germline.
Comment: In summary, the available evidence is currently insufficient to determine the role of this variant in disease. Therefore, it has been classified as a Variant of Uncertain Significance. Algorithms developed to predict the effect of missense changes on protein structure and function are either unavailable or do not agree on the potential impact of this missense change (SIFT: "Deleterious"; PolyPhen-2: "Benign"; Align-GVGD: "Class C0"). This variant has not been reported in the literature in individuals affected with DHTKD1-related conditions. This variant is present in population databases (rs760006425, gnomAD 0.007%). This sequence change replaces threonine, which is neutral and polar, with methionine, which is neutral and non-polar, at codon 347 of the DHTKD1 protein (p.Thr347Met).

NM_018706.7(DHTKD1):c.1040C>T (p.Thr347Met)

Gene: DHTKD1 (dehydrogenase E1 and transketolase domain containing 1; plus strand). Cytogenetic location: 10p14.
Variant type: single nucleotide variant.
Coding change: c.1040C>T on transcript NM_018706.7 (MANE Select); coding-DNA position 1040, C replaced by T.
Protein change: p.Thr347Met; replaces threonine 347 with methionine.
Molecular consequence: missense variant.
Genome position (GRCh38, 1-based): chr10:12,091,565, C>T. VCF-style: chr10-12091565-C-T. GRCh37 (hg19) VCF-style: chr10-12133564-C-T.
Other names: short protein forms T347M.
Identifiers: ClinVar variation 1398204 (VCV001398204.6), dbSNP rs760006425, ClinGen allele CA5407729.